The following is an entry in ClinVar:

NM_001375524.1(TRRAP):c.1810C>T (p.Gln604Ter)

Gene: TRRAP (transformation/transcription domain associated protein; plus strand). Cytogenetic location: 7q22.1.
Variant type: single nucleotide variant.
Coding change: c.1810C>T on transcript NM_001375524.1 (MANE Select); coding-DNA position 1810, C replaced by T.
Protein change: p.Gln604Ter; replaces glutamine 604 with a stop codon.
Molecular consequence: nonsense.
Genome position (GRCh38, 1-based): chr7:98,910,605, C>T. VCF-style: chr7-98910605-C-T. GRCh37 (hg19) VCF-style: chr7-98508228-C-T.
Other names: c.1810C>T, p.Gln604Ter (NM_001244580.2, NM_003496.4); short protein forms Q604*.
Identifiers: ClinVar variation 2662217 (VCV002662217.1), dbSNP rs2484714157, ClinGen allele CA368287592.
Genomic context (GRCh38, chr7:98,910,605, plus strand): 5'-AAAGAGACACAGATTTACATCAAACTTGTGAAATATGCAATGCAAGCTTTAGATATTTAT[C>T]AGGTAAGGAAGTGCCCTCCAGCCAGGCTTTCGCATATGGAAAGTACCTCTTAGTATTAGA-3'

ClinVar aggregate classification (germline): Uncertain significance (1 of 4 stars; one submission).

Submission:

GeneDx
Classification: Uncertain significance. Last evaluated: 2023-05-08. Review status: criteria provided, single submitter. Criteria: GeneDx Variant Classification Process June 2021. Collection method: clinical testing. Allele origin: germline. Affected: yes.
Comment: Nonsense variant predicted to result in protein truncation or nonsense mediated decay in a gene or region of a gene for which loss of function is not a well-established mechanism of disease; Not observed at significant frequency in large population cohorts (gnomAD); Has not been previously published as pathogenic or benign to our knowledge